The following is an entry in ClinVar:

NM_014516.4(CNOT3):c.428A>C (p.Glu143Ala)

Gene: CNOT3 (CCR4-NOT transcription complex subunit 3; plus strand). Cytogenetic location: 19q13.42.
Variant type: single nucleotide variant.
Coding change: c.428A>C on transcript NM_014516.4 (MANE Select); coding-DNA position 428, A replaced by C.
Protein change: p.Glu143Ala; replaces glutamic acid 143 with alanine.
Molecular consequence: missense variant.
Genome position (GRCh38, 1-based): chr19:54,144,277, A>C. VCF-style: chr19-54144277-A-C. GRCh37 (hg19) VCF-style: chr19-54648013-A-C.
Other names: short protein forms E143A.
Identifiers: ClinVar variation 2630442 (VCV002630442.1), dbSNP rs2517384448, ClinGen allele CA407760109.

ClinVar aggregate classification (germline): Uncertain significance (1 of 4 stars; one submission).

Conditions:
CNOT3-related disorder. Also called: CNOT3-related condition.

Submission:

PreventionGenetics, part of Exact Sciences
Classification: Uncertain significance for CNOT3-related condition. Last evaluated: 2023-02-02. Review status: criteria provided, single submitter. Criteria: ACMG Guidelines, 2015. Collection method: clinical testing. Allele origin: germline.
Comment: The CNOT3 c.428A>C variant is predicted to result in the amino acid substitution p.Glu143Ala. To our knowledge, this variant has not been reported in the literature or in a large population database, indicating this variant is rare. At this time, the clinical significance of this variant is uncertain due to the absence of conclusive functional and genetic evidence.